The following is an entry in ClinVar:

NM_001807.6(CEL):c.1809C>T (p.Pro603=)

Gene: CEL (carboxyl ester lipase; plus strand). Cytogenetic location: 9q34.13.
Variant type: single nucleotide variant.
Coding change: c.1809C>T on transcript NM_001807.6 (MANE Select); coding-DNA position 1809, C replaced by T.
Protein change: p.Pro603=; no amino-acid change (proline 603 retained).
Molecular consequence: synonymous variant.
Genome position (GRCh38, 1-based): chr9:133,071,311, C>T. VCF-style: chr9-133071311-C-T. GRCh37 (hg19) VCF-style: chr9-135946698-C-T.
Identifiers: ClinVar variation 2659671 (VCV002659671.24), dbSNP rs749622275, ClinGen allele CA5303557.
Genomic context (GRCh38, chr9:133,071,311, plus strand): 5'-GCCCACGGGTGACTCCGGGGCCCCCCCCGTGCCGCCCACGGGTGACTCCGGGGCCCCCCC[C>T]GTGCCGCCCACGGGTGACTCCGGGGCCCCCCCCGTGCCGCCCACGGGTGACTCCGGGGCC-3'
Protein context (NP_001798.3, residues 593-613): VPPTGDSGAP[Pro603=]VPPTGDSGAP

ClinVar aggregate classification (germline): Likely benign (1 of 4 stars; one submission).

Submission:

CeGaT Center for Human Genetics Tuebingen
Classification: Likely benign. Last evaluated: 2023-08-01. Review status: criteria provided, single submitter. Criteria: CeGaT Center For Human Genetics Tuebingen Variant Classification Criteria Version 2. Collection method: clinical testing. Allele origin: germline. Affected: yes. Observed: 1 variant allele.
Comment: CEL: BP4, BP7